The following is an entry in ClinVar:

ClinVar aggregate classification (germline): Uncertain significance (1 of 4 stars; one submission).

Conditions:
Developmental and epileptic encephalopathy, 23 (DEE23). Also called: Epileptic encephalopathy, early infantile, 23. Identifiers: Orphanet 411986, MedGen C4014492, MONDO:0014371, OMIM 615859.

gnomAD v4.1: 1 of 1,614,152 alleles (0.000062%); highest among the groups gnomAD compares: Non-Finnish European, 0.000085%; no homozygotes.

Submission:

Labcorp Genetics (formerly Invitae), Labcorp
Classification: Uncertain significance for Developmental and epileptic encephalopathy, 23. Last evaluated: 2021-01-31. Review status: criteria provided, single submitter. Criteria: Invitae Variant Classification Sherloc (09022015). Collection method: clinical testing. Allele origin: germline.
Comment: In summary, the available evidence is currently insufficient to determine the role of this variant in disease. Therefore, it has been classified as a Variant of Uncertain Significance. Algorithms developed to predict the effect of missense changes on protein structure and function are either unavailable or do not agree on the potential impact of this missense change (SIFT: "Tolerated"; PolyPhen-2: "Probably Damaging"; Align-GVGD: "Class C0"). This variant has not been reported in the literature in individuals with DOCK7-related conditions. This variant is not present in population databases (ExAC no frequency). This sequence change replaces leucine with phenylalanine at codon 1401 of the DOCK7 protein (p.Leu1401Phe). The leucine residue is moderately conserved and there is a small physicochemical difference between leucine and phenylalanine.

NM_001367561.1(DOCK7):c.4201C>T (p.Leu1401Phe)

Gene: DOCK7 (dedicator of cytokinesis 7; minus strand). Cytogenetic location: 1p31.3.
Variant type: single nucleotide variant.
Coding change: c.4201C>T on transcript NM_001367561.1 (MANE Select); coding-DNA position 4201, C replaced by T.
Protein change: p.Leu1401Phe; replaces leucine 1401 with phenylalanine.
Molecular consequence: missense variant.
Genome position (GRCh38, 1-based): chr1:62,513,525, G>A on the plus strand (C>T on the coding strand, the complement: DOCK7 is on the minus strand). VCF-style: chr1-62513525-G-A. GRCh37 (hg19) VCF-style: chr1-62979196-G-A.
Other names: c.4201C>T, p.Leu1401Phe (NM_001271999.2, NM_001330614.2); c.4108C>T, p.Leu1370Phe (NM_001272000.2, NM_001272001.2, NM_033407.4); short protein forms L1401F, L1370F.
Identifiers: ClinVar variation 1368317 (VCV001368317.8), dbSNP rs2149340268, ClinGen allele CA340624226.